The following is an entry in ClinVar:

ClinVar aggregate classification (germline): Uncertain significance (1 of 4 stars; one submission).

Conditions:
Cardiovascular phenotype. Identifiers: MedGen CN230736.

Submission:

Ambry Genetics
Classification: Uncertain significance for Cardiovascular phenotype. Last evaluated: 2024-10-22. Review status: criteria provided, single submitter. Criteria: Ambry Variant Classification Scheme 2023. Collection method: clinical testing. Allele origin: germline.
Comment: The p.A178P variant (also known as c.532G>C), located in coding exon 1 of the FOXE3 gene, results from a G to C substitution at nucleotide position 532. The alanine at codon 178 is replaced by proline, an amino acid with highly similar properties. This amino acid position is conserved. In addition, this alteration is predicted to be tolerated by in silico analysis. Based on the available evidence, the clinical significance of this variant remains unclear.

NM_012186.3(FOXE3):c.532G>C (p.Ala178Pro)

Genes: FOXE3 (forkhead box E3; plus strand), LINC01389 (long intergenic non-protein coding RNA 1389; minus strand). Cytogenetic location: 1p33.
Variant type: single nucleotide variant.
Coding change: c.532G>C on transcript NM_012186.3 (MANE Select); coding-DNA position 532, G replaced by C.
Protein change: p.Ala178Pro; replaces alanine 178 with proline.
Molecular consequence: missense variant.
Genome position (GRCh38, 1-based): chr1:47,416,847, G>C. VCF-style: chr1-47416847-G-C. GRCh37 (hg19) VCF-style: chr1-47882519-G-C.
Other names: short protein forms A178P.
Identifiers: ClinVar variation 3516701 (VCV003516701.1).
Genomic context (GRCh38, chr1:47,416,847, plus strand): 5'-GGCAGCTTCCTGCGGCGCCGCAAGCGCTTCAAGCGCGCCGAGCTGCCCGCGCACGCGGCC[G>C]CGGCGCCAGGGCCGCCGCTCCCCTTCCCCTACGCGCCCTACGCGCCCGCGCCCGGCCCCG-3'
Protein context (NP_036318.1, residues 168-188): KRAELPAHAA[Ala178Pro]APGPPLPFPY